The following is an entry in ClinVar:

ClinVar aggregate classification (germline): Benign/Likely benign. Review status: criteria provided, multiple submitters, no conflicts (2 of 4 stars). 5 submissions from 5 submitters: Benign (1); Likely benign (4). Last evaluated 2025-06-23.

Conditions:
Hereditary nonpolyposis colorectal neoplasms. Identifiers: MedGen C0009405, MeSH D003123.
Lynch syndrome 4 (LYNCH4). Also called: Colorectal cancer, hereditary nonpolyposis, type 4; Hereditary non-polyposis colorectal cancer, type 4. Identifiers: Orphanet 144, MedGen C1838333, MONDO:0013699, OMIM 614337. Disease mechanism: loss of function.
Hereditary cancer-predisposing syndrome. Also called: Hereditary Cancer Syndrome; Tumor predisposition; Neoplastic Syndromes, Hereditary; Hereditary neoplastic syndrome. Identifiers: Orphanet 140162, MedGen C0027672, MeSH D009386, MONDO:0015356.

Allele frequency attached by ClinVar (database versions not stated): TOPMed 0.00001.

Submissions (5):

Color Diagnostics, LLC DBA Color Health
Classification: Likely benign for Hereditary cancer-predisposing syndrome. Last evaluated: 2025-06-23. Review status: criteria provided, single submitter. Criteria: ACMG Guidelines, 2015. Collection method: clinical testing. Allele origin: germline.

Labcorp Genetics (formerly Invitae), Labcorp
Classification: Likely benign for Hereditary nonpolyposis colorectal neoplasms. Last evaluated: 2025-02-19. Review status: criteria provided, single submitter. Criteria: Invitae Variant Classification Sherloc (09022015). Collection method: clinical testing. Allele origin: germline.

Myriad Genetics, Inc.
Classification: Benign for Lynch syndrome 4. Last evaluated: 2025-02-04. Review status: criteria provided, single submitter. Criteria: Myriad Autosomal Dominant, Autosomal Recessive and X-Linked Classification Criteria (2023). Collection method: clinical testing. Allele origin: unknown.
Comment: This variant is considered benign. This variant is a silent/synonymous amino acid change and it is not expected to impact splicing.

Women's Health and Genetics/Laboratory Corporation of America, LabCorp
Classification: Likely benign. Last evaluated: 2020-08-05. Review status: criteria provided, single submitter. Criteria: LabCorp Variant Classification Summary - May 2015. Collection method: clinical testing. Allele origin: germline.

Ambry Genetics
Classification: Likely benign for Hereditary cancer-predisposing syndrome. Last evaluated: 2019-09-26. Review status: criteria provided, single submitter. Criteria: Ambry Variant Classification Scheme 2023. Collection method: clinical testing. Allele origin: germline.

NM_000535.7(PMS2):c.2566C>T (p.Leu856=)

Gene: PMS2 (PMS1 homolog 2, mismatch repair system component; minus strand). Cytogenetic location: 7p22.1.
Variant type: single nucleotide variant.
Coding change: c.2566C>T on transcript NM_000535.7 (MANE Select); coding-DNA position 2566, C replaced by T.
Protein change: p.Leu856=; no amino-acid change (leucine 856 retained).
Molecular consequence: synonymous variant. On other transcripts: non-coding transcript variant (1).
Genome position (GRCh38, 1-based): chr7:5,973,422, G>A on the plus strand (C>T on the coding strand, the complement: PMS2 is on the minus strand). VCF-style: chr7-5973422-G-A. GRCh37 (hg19) VCF-style: chr7-6013053-G-A.
Other names: c.2161C>T, p.Leu721= (NM_001322003.2, NM_001322004.2, NM_001322005.2); c.2410C>T, p.Leu804= (NM_001322006.2); c.2248C>T, p.Leu750= (NM_001322007.2, NM_001322008.2); c.2194C>T, p.Leu732= (NM_001322009.2); c.2005C>T, p.Leu669= (NM_001322010.2); c.1633C>T, p.Leu545= (NM_001322011.2, NM_001322012.2); c.1993C>T, p.Leu665= (NM_001322013.2); c.2599C>T, p.Leu867= (NM_001322014.2); and 1 more.
Identifiers: ClinVar variation 701564 (VCV000701564.17), dbSNP rs1421089696, ClinGen allele CA453642000.